The following is an entry in ClinVar:

ClinVar aggregate classification (germline): Benign. Review status: criteria provided, multiple submitters, no conflicts (2 of 4 stars). 2 submissions from 2 submitters: Benign (2). Last evaluated 2018-01-12.

Conditions:
Disorders of Intracellular Cobalamin Metabolism. Identifiers: MedGen CN043592.

Allele frequency attached by ClinVar (database versions not stated): gnomAD 0.71947 and 0.72155; TOPMed 0.73010; gnomAD exomes 0.75000; 1000 Genomes Project 0.76458; 1000 Genomes Project 30x 0.76733.
gnomAD v4.1: 109,399 of 152,072 alleles (72%); highest among the groups gnomAD compares: African/African-American, 91%; 40,642 homozygotes.

Submissions (2):

Illumina Laboratory Services, Illumina
Classification: Benign for Disorders of Intracellular Cobalamin Metabolism. Last evaluated: 2018-01-12. Review status: criteria provided, single submitter. Criteria: ICSL Variant Classification Criteria 13 December 2019. Collection method: clinical testing. Allele origin: germline.
Comment: This variant was observed in the ICSL laboratory as part of a predisposition screen in an ostensibly healthy population. It had not been previously curated by ICSL or reported in the Human Gene Mutation Database (HGMD: prior to June 1st, 2018), and was therefore a candidate for classification through an automated scoring system. Utilizing variant allele frequency, disease prevalence and penetrance estimates, and inheritance mode, an automated score was calculated to assess if this variant is too frequent to cause the disease. Based on the score and internal cut-off values, a variant classified as benign is not then subjected to further curation. The score for this variant resulted in a classification of benign for this disease.

Breakthrough Genomics
Classification: Benign. Review status: criteria provided, single submitter. Criteria: ACMG Guidelines, 2015. Collection method: not provided. Allele origin: germline. Inheritance: Autosomal recessive inheritance. Affected: yes.

NM_000254.3(MTR):c.*1254A>C

Gene: MTR (5-methyltetrahydrofolate-homocysteine methyltransferase; plus strand). Cytogenetic location: 1q43.
Variant type: single nucleotide variant.
Coding change: c.*1254A>C on transcript NM_000254.3 (MANE Select); 1254 bases downstream of the stop codon, A replaced by C.
Molecular consequence: 3 prime UTR variant.
Genome position (GRCh38, 1-based): chr1:236,898,898, A>C. VCF-style: chr1-236898898-A-C. GRCh37 (hg19) VCF-style: chr1-237062198-A-C.
Other names: c.*1254A>C (NM_001291939.1, NM_001291940.2).
Identifiers: ClinVar variation 296610 (VCV000296610.6), dbSNP rs2853523, ClinGen allele CA10609496.
Genomic context (GRCh38, chr1:236,898,898, plus strand): 5'-TCTCAATATATTCAGTAATGAAGAATGGTGCCACCACTCAAGCAACAAGCCTCAAACTCA[A>C]CCATGTCATCTTTTTCTTGGATGATTGCAGTTATTTCAAAAATTTGCATGCAAAATATAC-3'